The following is an entry in ClinVar:

ClinVar aggregate classification (germline): Pathogenic. Review status: criteria provided, single submitter (1 of 4 stars). 2 submissions from 2 submitters: Pathogenic (1). 1 of the submissions does not count toward it. Last evaluated 2022-09-06.

Conditions:
Hermansky-Pudlak syndrome (HPS). Also called: ALBINISM WITH HEMORRHAGIC DIATHESIS AND PIGMENTED RETICULOENDOTHELIAL CELLS. Identifiers: Orphanet 79430, MedGen C0079504, MONDO:0019312.

Submissions (2):

Labcorp Genetics (formerly Invitae), Labcorp
Classification: Pathogenic. Last evaluated: 2022-09-06. Review status: criteria provided, single submitter. Criteria: Invitae Variant Classification Sherloc (09022015). Collection method: clinical testing. Allele origin: germline.
Comment: For these reasons, this variant has been classified as Pathogenic. ClinVar contains an entry for this variant (Variation ID: 690342). This premature translational stop signal has been observed in individual(s) with Hermansky-Pudlak syndrome (PMID: 26575419). It has also been observed to segregate with disease in related individuals. This variant is not present in population databases (gnomAD no frequency). This sequence change creates a premature translational stop signal (p.Gln686*) in the HPS1 gene. While this is not anticipated to result in nonsense mediated decay, it is expected to disrupt the last 15 amino acid(s) of the HPS1 protein.

University of Washington Center for Mendelian Genomics, University of Washington
Classification: Likely pathogenic for Hermansky-Pudlak syndrome. Last evaluated: 2015-12-18. Review status: no assertion criteria provided. Collection method: research. Allele origin: unknown. Affected: yes. Not counted in ClinVar's aggregate classification.

Literature cited by the submitters: PubMed 26575419 (cited by Labcorp Genetics (formerly Invitae), Labcorp and University of Washington Center for Mendelian Genomics, University of Washington).

NM_000195.5(HPS1):c.2056C>T (p.Gln686Ter)

Gene: HPS1 (HPS1 biogenesis of lysosomal organelles complex 3 subunit 1; minus strand). Cytogenetic location: 10q24.2.
Variant type: single nucleotide variant.
Coding change: c.2056C>T on transcript NM_000195.5 (MANE Select); coding-DNA position 2056, C replaced by T.
Protein change: p.Gln686Ter; replaces glutamine 686 with a stop codon.
Molecular consequence: nonsense.
Genome position (GRCh38, 1-based): chr10:98,417,611, G>A on the plus strand (C>T on the coding strand, the complement: HPS1 is on the minus strand). VCF-style: chr10-98417611-G-A. GRCh37 (hg19) VCF-style: chr10-100177368-G-A.
Other names: c.1084C>T, p.Gln362Ter (NM_001311345.2, NM_001322487.2, NM_001322489.2); c.2056C>T, p.Gln686Ter (NM_001322476.2, NM_001322477.2); c.1957C>T, p.Gln653Ter (NM_001322478.2, NM_001322479.2); c.1795C>T, p.Gln599Ter (NM_001322480.2, NM_001322481.2); c.1696C>T, p.Gln566Ter (NM_001322482.2); c.1687C>T, p.Gln563Ter (NM_001322483.2, NM_001322484.2); c.1588C>T, p.Gln530Ter (NM_001322485.2); short protein forms Q362*, Q530*, Q563*, Q566*, Q599*, Q653*, Q686*.
Identifiers: ClinVar variation 690342 (VCV000690342.5), dbSNP rs1591002808, ClinGen allele CA378042060.
Genomic context (GRCh38, chr10:98,417,611, plus strand): 5'-CGGCCACCTTGGCCTAGAGCAGGGGGATACGGGAGGCCTCCCAGAGGCGCCGGGCCAGCT[G>A]GCCGGCCTGCTGCACCAGCAGGTCAGTGGGGATGACAGACAGGTGCAGGGCCAGCAGCTC-3'